The following is an entry in ClinVar:

NM_001369369.1(FOXN1):c.1429G>A (p.Gly477Arg)

Gene: FOXN1 (forkhead box N1; plus strand). Cytogenetic location: 17q11.2.
Variant type: single nucleotide variant.
Coding change: c.1429G>A on transcript NM_001369369.1 (MANE Select); coding-DNA position 1429, G replaced by A.
Protein change: p.Gly477Arg; replaces glycine 477 with arginine.
Molecular consequence: missense variant.
Genome position (GRCh38, 1-based): chr17:28,535,000, G>A. VCF-style: chr17-28535000-G-A. GRCh37 (hg19) VCF-style: chr17-26862018-G-A.
Other names: c.1429G>A, p.Gly477Arg (NM_003593.3); short protein forms G477R.
Identifiers: ClinVar variation 660853 (VCV000660853.6), dbSNP rs755959486, ClinGen allele CA8459527.
Genomic context (GRCh38, chr17:28,535,000, plus strand): 5'-CACCTCTCACCAGGCCTGGCCCCTCCTGGACCCCCGCAGCCATTGTTCCCACAGCCGGAC[G>A]GGCACCTTGAGCTGCGGGCCCAGCCAGGCACCCCCCAGGACTCGCCTCTGCCTGCCCACA-3'
Protein context (NP_001356298.1, residues 467-487): PPQPLFPQPD[Gly477Arg]HLELRAQPGT

ClinVar aggregate classification (germline): Uncertain significance. Review status: criteria provided, multiple submitters, no conflicts (2 of 4 stars). 2 submissions from 2 submitters: Uncertain significance (2). Last evaluated 2026-01-05.

Conditions:
FOXN1-related disorder. Also called: FOXN1-related condition.
T-cell immunodeficiency, congenital alopecia, and nail dystrophy. Also called: Congenital alopecia and nail dystrophy associated with severe functional T-cell immunodeficiency; Pignata Guarino syndrome. Identifiers: Orphanet 169095, MedGen C1866426, MONDO:0011132, OMIM 601705.

Allele frequency attached by ClinVar (database versions not stated): gnomAD exomes 0.00001 and 0.00003; ExAC 0.00003.

Submissions (2):

Labcorp Genetics (formerly Invitae), Labcorp
Classification: Uncertain significance for T-cell immunodeficiency, congenital alopecia, and nail dystrophy. Last evaluated: 2026-01-05. Review status: criteria provided, single submitter. Criteria: Invitae Variant Classification Sherloc (09022015). Collection method: clinical testing. Allele origin: germline.
Comment: This sequence change replaces glycine, which is neutral and non-polar, with arginine, which is basic and polar, at codon 477 of the FOXN1 protein (p.Gly477Arg). This variant is present in population databases (rs755959486, gnomAD 0.01%). This variant has not been reported in the literature in individuals affected with FOXN1-related conditions. ClinVar contains an entry for this variant (Variation ID: 660853). Invitae Evidence Modeling of protein sequence and biophysical properties (such as structural, functional, and spatial information, amino acid conservation, physicochemical variation, residue mobility, and thermodynamic stability) indicates that this missense variant is not expected to disrupt FOXN1 protein function with a negative predictive value of 80%. In summary, the available evidence is currently insufficient to determine the role of this variant in disease. Therefore, it has been classified as a Variant of Uncertain Significance.

PreventionGenetics, part of Exact Sciences
Classification: Uncertain significance for FOXN1-related condition. Last evaluated: 2024-11-06. Review status: criteria provided, single submitter. Criteria: ACMG Guidelines, 2015. Collection method: clinical testing. Allele origin: germline.
Comment: The FOXN1 c.1429G>A variant is predicted to result in the amino acid substitution p.Gly477Arg. To our knowledge, this variant has not been reported in the literature. This variant is reported in 0.011% of alleles in individuals of Latino descent in gnomAD. At this time, the clinical significance of this variant is uncertain due to the absence of conclusive functional and genetic evidence.